The following is an entry in ClinVar:

ClinVar aggregate classification (germline): Uncertain significance (1 of 4 stars; one submission).

Submission:

Ambry Genetics
Classification: Uncertain significance. Last evaluated: 2024-11-25. Review status: criteria provided, single submitter. Criteria: Ambry Variant Classification Scheme 2023. Collection method: clinical testing. Allele origin: germline.
Comment: The p.S475F variant (also known as c.1424C>T), located in coding exon 8 of the RNF43 gene, results from a C to T substitution at nucleotide position 1424. The serine at codon 475 is replaced by phenylalanine, an amino acid with highly dissimilar properties. This amino acid position is conserved. In addition, this alteration is predicted to be tolerated by in silico analysis. Based on the available evidence, the clinical significance of this variant remains unclear.

NM_017763.6(RNF43):c.1424C>T (p.Ser475Phe)

Gene: RNF43 (ring finger protein 43; minus strand). Cytogenetic location: 17q22.
Variant type: single nucleotide variant.
Coding change: c.1424C>T on transcript NM_017763.6 (MANE Select); coding-DNA position 1424, C replaced by T.
Protein change: p.Ser475Phe; replaces serine 475 with phenylalanine.
Molecular consequence: missense variant.
Genome position (GRCh38, 1-based): chr17:58,358,352, G>A on the plus strand (C>T on the coding strand, the complement: RNF43 is on the minus strand). VCF-style: chr17-58358352-G-A. GRCh37 (hg19) VCF-style: chr17-56435713-G-A.
Other names: c.1424C>T, p.Ser475Phe (NM_001305544.3); c.1043C>T, p.Ser348Phe (NM_001305545.2); short protein forms S475F, S348F.
Identifiers: ClinVar variation 3434518 (VCV003434518.1).